The following is an entry in ClinVar:

NM_004252.5(NHERF1):c.458G>T (p.Arg153Leu)

Gene: NHERF1 (NHERF family PDZ scaffold protein 1; plus strand). Cytogenetic location: 17q25.1.
Variant type: single nucleotide variant.
Coding change: c.458G>T on transcript NM_004252.5 (MANE Select); coding-DNA position 458, G replaced by T.
Protein change: p.Arg153Leu; replaces arginine 153 with leucine.
Molecular consequence: missense variant.
Genome position (GRCh38, 1-based): chr17:74,762,028, G>T. VCF-style: chr17-74762028-G-T. GRCh37 (hg19) VCF-style: chr17-72758167-G-T.
Other names: short protein forms R153L.
Identifiers: ClinVar variation 2751682 (VCV002751682.3), dbSNP rs41282065, ClinGen allele CA400938813.

ClinVar aggregate classification (germline): Uncertain significance (1 of 4 stars; one submission).

gnomAD v4.1: 1 of 1,614,038 alleles (0.000062%); highest among the groups gnomAD compares: African/African-American, 0.0013%; no homozygotes.

Submission:

Labcorp Genetics (formerly Invitae), Labcorp
Classification: Uncertain significance. Last evaluated: 2023-08-10. Review status: criteria provided, single submitter. Criteria: Invitae Variant Classification Sherloc (09022015). Collection method: clinical testing. Allele origin: germline.
Comment: In summary, the available evidence is currently insufficient to determine the role of this variant in disease. Therefore, it has been classified as a Variant of Uncertain Significance. An algorithm developed to predict the effect of missense changes on protein structure and function (PolyPhen-2) suggests that this variant is likely to be disruptive. This variant has not been reported in the literature in individuals affected with SLC9A3R1-related conditions. This variant is not present in population databases (gnomAD no frequency). This sequence change replaces arginine, which is basic and polar, with leucine, which is neutral and non-polar, at codon 153 of the SLC9A3R1 protein (p.Arg153Leu).